The following is an entry in ClinVar:

ClinVar aggregate classification (germline): Uncertain significance. Review status: criteria provided, multiple submitters, no conflicts (2 of 4 stars). 3 submissions from 3 submitters: Uncertain significance (2). 1 of the submissions does not count toward it. Last evaluated 2024-07-12.

Allele frequency attached by ClinVar (database versions not stated): gnomAD exomes below 0.00001 and 0.00001; ExAC 0.00001; gnomAD 0.00001; TOPMed 0.00001; ESP Exome Variant Server 0.00015; 1000 Genomes Project 30x 0.00016; 1000 Genomes Project 0.00020.

Submissions (3):

Labcorp Genetics (formerly Invitae), Labcorp
Classification: Uncertain significance. Last evaluated: 2024-07-12. Review status: criteria provided, single submitter. Criteria: Invitae Variant Classification Sherloc (09022015). Collection method: clinical testing. Allele origin: germline.
Comment: This sequence change replaces alanine, which is neutral and non-polar, with threonine, which is neutral and polar, at codon 392 of the HK1 protein (p.Ala392Thr). This variant is present in population databases (rs140290094, gnomAD 0.006%). This missense change has been observed in individual(s) with cone rod dystropyhy (Invitae). ClinVar contains an entry for this variant (Variation ID: 1050624). Advanced modeling of protein sequence and biophysical properties (such as structural, functional, and spatial information, amino acid conservation, physicochemical variation, residue mobility, and thermodynamic stability) performed at Invitae indicates that this missense variant is not expected to disrupt HK1 protein function with a negative predictive value of 80%. In summary, the available evidence is currently insufficient to determine the role of this variant in disease. Therefore, it has been classified as a Variant of Uncertain Significance.

Revvity Omics, Revvity
Classification: Uncertain significance. Last evaluated: 2022-01-05. Review status: criteria provided, single submitter. Criteria: ACMG Guidelines, 2015. Collection method: clinical testing. Allele origin: germline.

Department of Pathology and Laboratory Medicine, Sinai Health System
Classification: Uncertain significance. Review status: no assertion criteria provided. Collection method: clinical testing. Allele origin: unknown. Affected: yes. Study: The Canadian Open Genetics Repository (COGR). Not counted in ClinVar's aggregate classification.
Comment: The HK1 p.Ala360Thr variant was not identified in the literature nor was it identified in ClinVar. The variant was identified in dbSNP (ID: rs140290094) and in control databases in 4 of 282816 chromosomes at a frequency of 0.00001414 (Genome Aggregation Database March 6, 2019, v2.1.1). The variant was observed in the following populations: South Asian in 2 of 30616 chromosomes (freq: 0.000065), African in 1 of 24964 chromosomes (freq: 0.00004) and European (non-Finnish) in 1 of 129134 chromosomes (freq: 0.000008), but was not observed in the Latino, Ashkenazi Jewish, East Asian, European (Finnish), or Other populations. The p.Ala360 residue is not conserved in mammals and computational analyses (SIFT, AlignGVGD, BLOSUM, MutationTaster) provide inconsistent predictions regarding the impact to the protein; this information is not very predictive of pathogenicity. The variant occurs outside of the splicing consensus sequence and in silico or computational prediction software programs (SpliceSiteFinder, MaxEntScan, NNSPLICE, GeneSplicer) do not predict a difference in splicing. In summary, based on the above information the clinical significance of this variant cannot be determined with certainty at this time. This variant is classified as a variant of uncertain significance.

NM_000188.3(HK1):c.1174G>A (p.Ala392Thr)

Gene: HK1 (hexokinase 1; plus strand). Cytogenetic location: 10q22.1.
Variant type: single nucleotide variant.
Coding change: c.1174G>A on transcript NM_000188.3 (MANE Select); coding-DNA position 1174, G replaced by A.
Protein change: p.Ala392Thr; replaces alanine 392 with threonine.
Molecular consequence: missense variant.
Genome position (GRCh38, 1-based): chr10:69,380,004, G>A. VCF-style: chr10-69380004-G-A. GRCh37 (hg19) VCF-style: chr10-71139760-G-A.
Other names: c.1186G>A, p.Ala396Thr (NM_001322364.2, NM_001358263.1, NM_033497.3 and 1 more transcripts); c.1279G>A, p.Ala427Thr (NM_001322365.2); c.1090G>A, p.Ala364Thr (NM_001322366.1); c.1078G>A, p.Ala360Thr (NM_001322367.1); c.1171G>A, p.Ala391Thr (NM_033496.3); c.1138G>A, p.Ala380Thr (NM_033500.2); c.1174G>A (NM_000188.2); short protein forms A360T, A364T, A380T, A391T, A392T, A396T, A427T.
Identifiers: ClinVar variation 1050624 (VCV001050624.9), dbSNP rs140290094, ClinGen allele CA5532526.